The following is an entry in ClinVar:

NM_198253.3(TERT):c.906G>C (p.Gln302His)

Gene: TERT (telomerase reverse transcriptase; minus strand). Cytogenetic location: 5p15.33.
Variant type: single nucleotide variant.
Coding change: c.906G>C on transcript NM_198253.3 (MANE Select); coding-DNA position 906, G replaced by C.
Protein change: p.Gln302His; replaces glutamine 302 with histidine.
Molecular consequence: missense variant. On other transcripts: non-coding transcript variant (2).
Genome position (GRCh38, 1-based): chr5:1,293,980, C>G on the plus strand (G>C on the coding strand, the complement: TERT is on the minus strand). VCF-style: chr5-1293980-C-G. GRCh37 (hg19) VCF-style: chr5-1294095-C-G.
Other names: c.906G>C, p.Gln302His (NM_001193376.3, NM_003219.1); short protein forms Q302H.
Identifiers: ClinVar variation 2949869 (VCV002949869.4), dbSNP rs748557434, ClinGen allele CA359056207.

ClinVar aggregate classification (germline): Uncertain significance. Review status: criteria provided, multiple submitters, no conflicts (2 of 4 stars). 2 submissions from 2 submitters: Uncertain significance (2). Last evaluated 2024-12-30.

Conditions:
Dyskeratosis congenita. Identifiers: Orphanet 1775, MedGen C0265965, MONDO:0015780.
Dyskeratosis congenita, autosomal dominant 2. Identifiers: MedGen C3151443, MONDO:0013521, OMIM 613989.
Idiopathic Pulmonary Fibrosis. Also called: Idiopathic fibrosing alveolitis, chronic form; idiopathic fibrosing alveolitis. Identifiers: Orphanet 2032, MedGen C1800706, MeSH D054990, MONDO:0800504.

Submissions (2):

Ambry Genetics
Classification: Uncertain significance for Dyskeratosis congenita. Last evaluated: 2024-12-30. Review status: criteria provided, single submitter. Criteria: Ambry Variant Classification Scheme 2023. Collection method: clinical testing. Allele origin: germline.
Comment: The p.Q302H variant (also known as c.906G>C), located in coding exon 2 of the TERT gene, results from a G to C substitution at nucleotide position 906. The glutamine at codon 302 is replaced by histidine, an amino acid with highly similar properties. This amino acid position is conserved. In addition, this alteration is predicted to be tolerated by in silico analysis. Based on the available evidence, the clinical significance of this variant remains unclear.

Labcorp Genetics (formerly Invitae), Labcorp
Classification: Uncertain significance for Dyskeratosis congenita, autosomal dominant 2; Idiopathic Pulmonary Fibrosis. Last evaluated: 2024-04-30. Review status: criteria provided, single submitter. Criteria: Invitae Variant Classification Sherloc (09022015). Collection method: clinical testing. Allele origin: germline.
Comment: This sequence change replaces glutamine, which is neutral and polar, with histidine, which is basic and polar, at codon 302 of the TERT protein (p.Gln302His). This variant is not present in population databases (gnomAD no frequency). This variant has not been reported in the literature in individuals affected with TERT-related conditions. Advanced modeling of protein sequence and biophysical properties (such as structural, functional, and spatial information, amino acid conservation, physicochemical variation, residue mobility, and thermodynamic stability) has been performed at Invitae for this missense variant, however the output from this modeling did not meet the statistical confidence thresholds required to predict the impact of this variant on TERT protein function. In summary, the available evidence is currently insufficient to determine the role of this variant in disease. Therefore, it has been classified as a Variant of Uncertain Significance.